The following is an entry in ClinVar:

NM_000179.3(MSH6):c.3107T>C (p.Leu1036Pro)

Gene: MSH6 (mutS homolog 6; plus strand). Cytogenetic location: 2p16.3.
Variant type: single nucleotide variant.
Coding change: c.3107T>C on transcript NM_000179.3 (MANE Select); coding-DNA position 3107, T replaced by C.
Protein change: p.Leu1036Pro; replaces leucine 1036 with proline.
Molecular consequence: missense variant.
Genome position (GRCh38, 1-based): chr2:47,801,090, T>C. VCF-style: chr2-47801090-T-C. GRCh37 (hg19) VCF-style: chr2-48028229-T-C.
Other names: c.2717T>C, p.Leu906Pro (NM_001281492.2); c.2201T>C, p.Leu734Pro (NM_001281493.2, NM_001281494.2); short protein forms L906P, L1036P, L734P.
Identifiers: ClinVar variation 822907 (VCV000822907.5), dbSNP rs748211741, ClinGen allele CA346756608.
Genomic context (GRCh38, chr2:47,801,090, plus strand): 5'-CTAATCTCATAAATGCTGAAGAACGGAGGGATGTATCATTGAAGGACTGCATGCGGCGAC[T>C]GTTCTATAACTTTGATAAAAATTACAAGGACTGGCAGTCTGCTGTAGAGTGTATCGCAGT-3'
Protein context (NP_000170.1, residues 1026-1046): DVSLKDCMRR[Leu1036Pro]FYNFDKNYKD

ClinVar aggregate classification (germline): Uncertain significance (1 of 4 stars; one submission).

Conditions:
Hereditary cancer-predisposing syndrome. Also called: Tumor predisposition; Hereditary neoplastic syndrome; Neoplastic Syndromes, Hereditary; Hereditary Cancer Syndrome. Identifiers: Orphanet 140162, MedGen C0027672, MeSH D009386, MONDO:0015356.

Submission:

Ambry Genetics
Classification: Uncertain significance for Hereditary cancer-predisposing syndrome. Last evaluated: 2026-08-20. Review status: criteria provided, single submitter. Criteria: Ambry Variant Classification Scheme 2023. Collection method: clinical testing. Allele origin: germline.
Comment: The p.L1036P variant (also known as c.3107T>C), located in coding exon 4 of the MSH6 gene, results from a T to C substitution at nucleotide position 3107. The leucine at codon 1036 is replaced by proline, an amino acid with similar properties. This amino acid position is well conserved in available vertebrate species. In addition, this alteration is predicted to be deleterious by in silico analysis. Based on the available evidence, the clinical significance of this variant remains unclear.